The following is an entry in ClinVar:

ClinVar aggregate classification (germline): Conflicting classifications of pathogenicity. Review status: criteria provided, conflicting classifications (1 of 4 stars). 2 submissions from 2 submitters: Uncertain significance (1); Likely benign (1). Last evaluated 2024-03-27.

Conditions:
Hereditary cancer-predisposing syndrome. Also called: Neoplastic Syndromes, Hereditary; Hereditary Cancer Syndrome; Hereditary neoplastic syndrome; Tumor predisposition. Identifiers: Orphanet 140162, MedGen C0027672, MeSH D009386, MONDO:0015356.
Familial meningioma. Also called: Meningioma, familial, susceptibility to. Identifiers: Orphanet 263662, MedGen C3551915, MONDO:0011789, OMIM 607174.

Submissions (2):

Ambry Genetics
Classification: Likely benign for Hereditary cancer-predisposing syndrome. Last evaluated: 2024-03-27. Review status: criteria provided, single submitter. Criteria: Ambry Variant Classification Scheme 2023. Collection method: clinical testing. Allele origin: germline.

Labcorp Genetics (formerly Invitae), Labcorp
Classification: Uncertain significance for Familial meningioma. Last evaluated: 2020-05-02. Review status: criteria provided, single submitter. Criteria: Invitae Variant Classification Sherloc (09022015). Collection method: clinical testing. Allele origin: germline.
Comment: This sequence change replaces threonine with isoleucine at codon 401 of the SMARCE1 protein (p.Thr401Ile). The threonine residue is moderately conserved and there is a moderate physicochemical difference between threonine and isoleucine. This variant is not present in population databases (ExAC no frequency). This variant has not been reported in the literature in individuals with SMARCE1-related conditions. In summary, the available evidence is currently insufficient to determine the role of this variant in disease. Therefore, it has been classified as a Variant of Uncertain Significance.

NM_003079.5(SMARCE1):c.1202C>T (p.Thr401Ile)

Gene: SMARCE1 (SWI/SNF related BAF chromatin remodeling complex subunit E1; minus strand). Cytogenetic location: 17q21.2.
Variant type: single nucleotide variant.
Coding change: c.1202C>T on transcript NM_003079.5 (MANE Select); coding-DNA position 1202, C replaced by T.
Protein change: p.Thr401Ile; replaces threonine 401 with isoleucine.
Molecular consequence: missense variant.
Genome position (GRCh38, 1-based): chr17:40,628,819, G>A on the plus strand (C>T on the coding strand, the complement: SMARCE1 is on the minus strand). VCF-style: chr17-40628819-G-A. GRCh37 (hg19) VCF-style: chr17-38785071-G-A.
Other names: short protein forms T401I.
Identifiers: ClinVar variation 1059115 (VCV001059115.12), dbSNP rs2037060386, ClinGen allele CA399360848.